The following is an entry in ClinVar:

NM_000138.5(FBN1):c.3713-2A>G

Gene: FBN1 (fibrillin 1; minus strand). Cytogenetic location: 15q21.1.
Variant type: single nucleotide variant.
Coding change: c.3713-2A>G on transcript NM_000138.5 (MANE Select); the canonical splice acceptor site of the intron before coding-DNA position 3713, A replaced by G.
Molecular consequence: splice acceptor variant.
Genome position (GRCh38, 1-based): chr15:48,483,945, T>C on the plus strand (A>G on the coding strand, the complement: FBN1 is on the minus strand). VCF-style: chr15-48483945-T-C. GRCh37 (hg19) VCF-style: chr15-48776142-T-C.
Other names: c.3713-2A>G (NM_001406716.1).
Identifiers: ClinVar variation 3377535 (VCV003377535.2).

ClinVar aggregate classification (germline): Likely pathogenic. Review status: criteria provided, multiple submitters, no conflicts (2 of 4 stars). 2 submissions from 2 submitters: Likely pathogenic (2). Last evaluated 2020-07-16.

Conditions:
Marfan syndrome (MFS). Also called: MARFAN SYNDROME, TYPE I; Marfan syndrome type 1; Marfan's syndrome; FBN1-Related Marfan Syndrome; Marfan syndrome, classic. Identifiers: Orphanet 284963, Orphanet 558, MedGen C0024796, MONDO:0007947, OMIM 154700.
FBN1-related disorder. Also called: FBN1-related disorders.

Submissions (2):

Blueprint Genetics
Classification: Likely pathogenic for FBN1-related disorders. Last evaluated: 2020-07-16. Review status: criteria provided, single submitter. Criteria: ACMG Guidelines, 2015. Collection method: clinical testing. Allele origin: germline. Affected: yes. Observed: 1 variant allele.

Neuberg Centre For Genomic Medicine, NCGM
Classification: Likely pathogenic for Marfan syndrome. Review status: criteria provided, single submitter. Criteria: ACMG Guidelines, 2015. Collection method: clinical testing. Allele origin: germline. Inheritance: Autosomal dominant inheritance. Affected: yes.
Comment: The observed invariant splice acceptor c.3713-2A>G variant in FBN1 gene has not been reported previously as a pathogenic variant nor as a benign variant, to our knowledge. The c.3713-2A>G variant is absent in gnomAD Exomes. This variant has not been submitted to the ClinVar database. Loss of function variants in FBN1 gene have been previously reported to be disease causing (Pu et al., 2018). Additional functional studies will be required to prove the pathogenicity of this variant. For these reasons, this variant has been classified as Likely Pathogenic.